The following is an entry in ClinVar:

ClinVar aggregate classification (germline): Benign/Likely benign. Review status: criteria provided, multiple submitters, no conflicts (2 of 4 stars). 3 submissions from 3 submitters: Benign (1); Likely benign (1). 1 of the submissions does not count toward it. Last evaluated 2026-01-20.

Conditions:
CD40LG-related disorder. Also called: CD40LG-related condition.
Hyper-IgM syndrome type 1. Also called: Hyper-IgM Immunodeficiency Syndrome, Type 1; CD40 Ligand Deficiency; Immunodeficiency, X-linked, with hyper-IgM; X-linked hyper-IgM syndrome. Identifiers: Orphanet 101088, MedGen C0398689, MONDO:0010626, OMIM 308230.

Allele frequency attached by ClinVar (database versions not stated): gnomAD exomes 0.00011 and 0.00014; TOPMed 0.00012; gnomAD 0.00014 and 0.00016; ExAC 0.00015.
gnomAD v4.1: 137 of 1,208,094 alleles (0.011%); highest among the groups gnomAD compares: Admixed American, 0.02%; no homozygotes.

Submissions (3):

Labcorp Genetics (formerly Invitae), Labcorp
Classification: Benign for Hyper-IgM syndrome type 1. Last evaluated: 2026-01-20. Review status: criteria provided, single submitter. Criteria: Invitae Variant Classification Sherloc (09022015). Collection method: clinical testing. Allele origin: germline.

Blueprint Genetics
Classification: Likely benign. Last evaluated: 2024-11-13. Review status: criteria provided, single submitter. Criteria: ACMG Guidelines, 2015. Collection method: clinical testing. Allele origin: germline.

PreventionGenetics, part of Exact Sciences
Classification: Likely benign for CD40LG-related condition. Last evaluated: 2024-02-01. Review status: no assertion criteria provided. Collection method: clinical testing. Allele origin: germline. Not counted in ClinVar's aggregate classification.
Comment: This variant is classified as likely benign based on ACMG/AMP sequence variant interpretation guidelines (Richards et al. 2015 PMID: 25741868, with internal and published modifications).

NM_000074.3(CD40LG):c.487G>A (p.Val163Ile)

Gene: CD40LG (CD40 ligand; plus strand). Cytogenetic location: Xq26.3.
Variant type: single nucleotide variant.
Coding change: c.487G>A on transcript NM_000074.3 (MANE Select); coding-DNA position 487, G replaced by A.
Protein change: p.Val163Ile; replaces valine 163 with isoleucine.
Molecular consequence: missense variant.
Genome position (GRCh38, 1-based): chrX:136,659,116, G>A. VCF-style: chrX-136659116-G-A. GRCh37 (hg19) VCF-style: chrX-135741275-G-A.
Other names: short protein forms V163I.
Identifiers: ClinVar variation 755354 (VCV000755354.14), dbSNP rs199914973, ClinGen allele CA10528151.